The following is an entry in ClinVar:

NM_144997.7(FLCN):c.1385A>C (p.Lys462Thr)

Gene: FLCN (folliculin; minus strand). Cytogenetic location: 17p11.2.
Variant type: single nucleotide variant.
Coding change: c.1385A>C on transcript NM_144997.7 (MANE Select); coding-DNA position 1385, A replaced by C.
Protein change: p.Lys462Thr; replaces lysine 462 with threonine.
Molecular consequence: missense variant.
Genome position (GRCh38, 1-based): chr17:17,215,232, T>G on the plus strand (A>C on the coding strand, the complement: FLCN is on the minus strand). VCF-style: chr17-17215232-T-G. GRCh37 (hg19) VCF-style: chr17-17118546-T-G.
Other names: c.1439A>C, p.Lys480Thr (NM_001353229.2); c.1385A>C, p.Lys462Thr (NM_001353230.2, NM_001353231.2); short protein forms K462T, K480T.
Identifiers: ClinVar variation 2451836 (VCV002451836.2), dbSNP rs1567807684, ClinGen allele CA398531255.

ClinVar aggregate classification (germline): Uncertain significance (1 of 4 stars; one submission).

Conditions:
Hereditary cancer-predisposing syndrome. Also called: Neoplastic Syndromes, Hereditary; Tumor predisposition; Hereditary neoplastic syndrome; Hereditary Cancer Syndrome. Identifiers: Orphanet 140162, MedGen C0027672, MeSH D009386, MONDO:0015356.

Submission:

Ambry Genetics
Classification: Uncertain significance for Hereditary cancer-predisposing syndrome. Last evaluated: 2023-02-10. Review status: criteria provided, single submitter. Criteria: Ambry Variant Classification Scheme 2023. Collection method: clinical testing. Allele origin: germline.
Comment: The p.K462T variant (also known as c.1385A>C), located in coding exon 9 of the FLCN gene, results from an A to C substitution at nucleotide position 1385. The lysine at codon 462 is replaced by threonine, an amino acid with similar properties. This amino acid position is conserved. In addition, the in silico prediction for this alteration is inconclusive. Since supporting evidence is limited at this time, the clinical significance of this alteration remains unclear.